The following is an entry in ClinVar:

ClinVar aggregate classification (germline): Likely benign. Review status: criteria provided, multiple submitters, no conflicts (2 of 4 stars). 2 submissions from 2 submitters: Likely benign (2). Last evaluated 2025-04-30.

Conditions:
Progressive sclerosing poliodystrophy (MTDPS4A). Also called: NEURONAL DEGENERATION OF CHILDHOOD WITH LIVER DISEASE, PROGRESSIVE; Mitochondrial DNA depletion syndrome 4A (Alpers type); Mitochondrial DNA Depletion Syndrome 4A; Alpers-Huttenlocher Syndrome (AHS); ALPERS PROGRESSIVE INFANTILE POLIODYSTROPHY; Alpers Syndrome. Identifiers: Orphanet 726, MedGen C0205710, MONDO:0008758, OMIM 203700.
POLG-related disorder. Also called: POLG-Related Spectrum Disorders; POLG-related condition; POLG-Related Disorders. Identifiers: MedGen C4763519.

Allele frequency attached by ClinVar (database versions not stated): ExAC 0.00001; gnomAD 0.00001 and 0.00002; gnomAD exomes 0.00001; TOPMed 0.00001; ESP Exome Variant Server 0.00008; 1000 Genomes Project 30x 0.00016; 1000 Genomes Project 0.00020.
gnomAD v4.1: 21 of 1,613,956 alleles (0.0013%); highest among the groups gnomAD compares: Non-Finnish European, 0.0018%; no homozygotes.

Submissions (2):

PreventionGenetics, part of Exact Sciences
Classification: Likely benign for POLG-related condition. Last evaluated: 2025-04-30. Review status: criteria provided, single submitter. Criteria: ACMG Guidelines, 2015. Collection method: clinical testing. Allele origin: germline.
Comment: This variant is classified as likely benign based on ACMG/AMP sequence variant interpretation guidelines (Richards et al. 2015 PMID: 25741868, with internal and published modifications).

Labcorp Genetics (formerly Invitae), Labcorp
Classification: Likely benign for Progressive sclerosing poliodystrophy. Last evaluated: 2024-11-04. Review status: criteria provided, single submitter. Criteria: Invitae Variant Classification Sherloc (09022015). Collection method: clinical testing. Allele origin: germline.

NM_002693.3(POLG):c.1692G>A (p.Gln564=)

Gene: POLG (DNA polymerase gamma, catalytic subunit; minus strand). Cytogenetic location: 15q26.1.
Variant type: single nucleotide variant.
Coding change: c.1692G>A on transcript NM_002693.3 (MANE Select); coding-DNA position 1692, G replaced by A.
Protein change: p.Gln564=; no amino-acid change (glutamine 564 retained).
Molecular consequence: synonymous variant.
Genome position (GRCh38, 1-based): chr15:89,326,632, C>T on the plus strand (G>A on the coding strand, the complement: POLG is on the minus strand). VCF-style: chr15-89326632-C-T. GRCh37 (hg19) VCF-style: chr15-89869863-C-T.
Other names: c.1692G>A (NM_002693.2); c.1692G>A, p.Gln564= (NM_001126131.2).
Identifiers: ClinVar variation 1643491 (VCV001643491.9), dbSNP rs149687731, ClinGen allele CA7724730.